The following is an entry in ClinVar:

NM_017802.4(DNAAF5):c.827T>G (p.Leu276Arg)

Gene: DNAAF5 (dynein axonemal assembly factor 5; plus strand). Cytogenetic location: 7p22.3.
Variant type: single nucleotide variant.
Coding change: c.827T>G on transcript NM_017802.4 (MANE Select); coding-DNA position 827, T replaced by G.
Protein change: p.Leu276Arg; replaces leucine 276 with arginine.
Molecular consequence: missense variant. On other transcripts: non-coding transcript variant (1).
Genome position (GRCh38, 1-based): chr7:740,865, T>G. VCF-style: chr7-740865-T-G. GRCh37 (hg19) VCF-style: chr7-780502-T-G.
Other names: c.827T>G (NM_017802.3); short protein forms L276R.
Identifiers: ClinVar variation 2047224 (VCV002047224.5), dbSNP rs968867319, ClinGen allele CA152338484.

ClinVar aggregate classification (germline): Uncertain significance. Review status: criteria provided, multiple submitters, no conflicts (2 of 4 stars). 2 submissions from 2 submitters: Uncertain significance (2). Last evaluated 2025-08-15.

Conditions:
Primary ciliary dyskinesia. Also called: Ciliary dyskinesia. Identifiers: Orphanet 244, MedGen C0008780, MONDO:0016575, HP:0012265.

Allele frequency attached by ClinVar (database versions not stated): gnomAD exomes below 0.00001; gnomAD 0.00005; TOPMed 0.00009.
gnomAD v4.1: 14 of 1,613,968 alleles (0.00087%); highest among the groups gnomAD compares: African/African-American, 0.019%; no homozygotes.

Submissions (2):

Labcorp Genetics (formerly Invitae), Labcorp
Classification: Uncertain significance for Primary ciliary dyskinesia. Last evaluated: 2025-08-15. Review status: criteria provided, single submitter. Criteria: Invitae Variant Classification Sherloc (09022015). Collection method: clinical testing. Allele origin: germline.
Comment: This sequence change replaces leucine, which is neutral and non-polar, with arginine, which is basic and polar, at codon 276 of the DNAAF5 protein (p.Leu276Arg). This variant is present in population databases (no rsID available, gnomAD 0.02%). This variant has not been reported in the literature in individuals affected with DNAAF5-related conditions. ClinVar contains an entry for this variant (Variation ID: 2047224). Invitae Evidence Modeling of protein sequence and biophysical properties (such as structural, functional, and spatial information, amino acid conservation, physicochemical variation, residue mobility, and thermodynamic stability) indicates that this missense variant is expected to disrupt DNAAF5 protein function with a positive predictive value of 80%. In summary, the available evidence is currently insufficient to determine the role of this variant in disease. Therefore, it has been classified as a Variant of Uncertain Significance.

Ambry Genetics
Classification: Uncertain significance for Primary ciliary dyskinesia. Last evaluated: 2024-08-28. Review status: criteria provided, single submitter. Criteria: Ambry Variant Classification Scheme 2023. Collection method: clinical testing. Allele origin: germline.
Comment: The p.L276R variant (also known as c.827T>G), located in coding exon 3 of the DNAAF5 gene, results from a T to G substitution at nucleotide position 827. The leucine at codon 276 is replaced by arginine, an amino acid with dissimilar properties. This amino acid position is conserved. In addition, this alteration is predicted to be deleterious by in silico analysis. Based on the available evidence, the clinical significance of this variant remains unclear.